The following is an entry in ClinVar:

ClinVar aggregate classification (germline): Conflicting classifications of pathogenicity. Review status: criteria provided, conflicting classifications (1 of 4 stars). 3 submissions from 3 submitters: Uncertain significance (2); Likely benign (1). Last evaluated 2026-04-20.

Conditions:
Inborn genetic diseases. Identifiers: MedGen C0950123, MeSH D030342.

Allele frequency attached by ClinVar (database versions not stated): gnomAD exomes below 0.00001.
gnomAD v4.1: 1 of 1,614,034 alleles (0.000062%); highest among the groups gnomAD compares: South Asian, 0.0011%; no homozygotes.

Submissions (3):

Ambry Genetics
Classification: Uncertain significance for Inborn genetic diseases. Last evaluated: 2026-04-20. Review status: criteria provided, single submitter. Criteria: Ambry Variant Classification Scheme 2023. Collection method: clinical testing. Allele origin: germline.

Labcorp Genetics (formerly Invitae), Labcorp
Classification: Likely benign. Last evaluated: 2024-10-16. Review status: criteria provided, single submitter. Criteria: Invitae Variant Classification Sherloc (09022015). Collection method: clinical testing. Allele origin: germline.

GeneDx
Classification: Uncertain significance. Last evaluated: 2024-07-16. Review status: criteria provided, single submitter. Criteria: GeneDx Variant Classification Process June 2021. Collection method: clinical testing. Allele origin: germline. Affected: yes.
Comment: Not observed at significant frequency in large population cohorts (gnomAD); In silico analysis supports that this missense variant has a deleterious effect on protein structure/function; Has not been previously published as pathogenic or benign to our knowledge

NM_001375524.1(TRRAP):c.5641T>C (p.Cys1881Arg)

Gene: TRRAP (transformation/transcription domain associated protein; plus strand). Cytogenetic location: 7q22.1.
Variant type: single nucleotide variant.
Coding change: c.5641T>C on transcript NM_001375524.1 (MANE Select); coding-DNA position 5641, T replaced by C.
Protein change: p.Cys1881Arg; replaces cysteine 1881 with arginine.
Molecular consequence: missense variant.
Genome position (GRCh38, 1-based): chr7:98,953,344, T>C. VCF-style: chr7-98953344-T-C. GRCh37 (hg19) VCF-style: chr7-98550967-T-C.
Other names: c.5620T>C, p.Cys1874Arg (NM_001244580.2); c.5566T>C, p.Cys1856Arg (NM_003496.4); c.5566T>C (NM_003496.3); c.5620T>C (NM_001244580.1); short protein forms C1856R, C1874R, C1881R.
Identifiers: ClinVar variation 2995745 (VCV002995745.5), dbSNP rs2484867928, ClinGen allele CA368320873.